The following is an entry in ClinVar:

ClinVar aggregate classification (germline): Uncertain significance. Review status: criteria provided, multiple submitters, no conflicts (2 of 4 stars). 2 submissions from 2 submitters: Uncertain significance (2). Last evaluated 2026-04-09.

Conditions:
RYR3-related disorder. Also called: RYR3-related condition.

gnomAD v4.1: 12 of 1,556,072 alleles (0.00077%); highest among the groups gnomAD compares: Middle Eastern, 0.017%; no homozygotes.

Submissions (2):

PreventionGenetics, part of Exact Sciences
Classification: Uncertain significance for RYR3-related condition. Last evaluated: 2026-04-09. Review status: criteria provided, single submitter. Criteria: ACMG Guidelines, 2015. Collection method: clinical testing. Allele origin: germline.
Comment: The RYR3 c.4465C>T variant is predicted to result in the amino acid substitution p.Arg1489Trp. To our knowledge, this variant has not been reported in the literature. This variant is reported in 0.0015% of alleles in individuals of European (Non-Finnish) descent in gnomAD. At this time, the clinical significance of this variant is uncertain due to the absence of conclusive functional and genetic evidence.

Blueprint Genetics
Classification: Uncertain significance. Last evaluated: 2023-04-21. Review status: criteria provided, single submitter. Criteria: ACMG Guidelines, 2015. Collection method: clinical testing. Allele origin: germline.

NM_001036.6(RYR3):c.4465C>T (p.Arg1489Trp)

Gene: RYR3 (ryanodine receptor 3; plus strand). Cytogenetic location: 15q14.
Variant type: single nucleotide variant.
Coding change: c.4465C>T on transcript NM_001036.6 (MANE Select); coding-DNA position 4465, C replaced by T.
Protein change: p.Arg1489Trp; replaces arginine 1489 with tryptophan.
Molecular consequence: missense variant.
Genome position (GRCh38, 1-based): chr15:33,660,266, C>T. VCF-style: chr15-33660266-C-T. GRCh37 (hg19) VCF-style: chr15-33952467-C-T.
Other names: c.4465C>T (NM_001036.4); c.4465C>T, p.Arg1489Trp (NM_001243996.4); short protein forms R1489W.
Identifiers: ClinVar variation 4924014 (VCV004924014.2).